The following is an entry in ClinVar:

NM_003072.5(SMARCA4):c.1873G>A (p.Gly625Arg)

Gene: SMARCA4 (SWI/SNF related BAF chromatin remodeling complex subunit ATPase 4; plus strand). Cytogenetic location: 19p13.2.
Variant type: single nucleotide variant.
Coding change: c.1873G>A on transcript NM_003072.5 (MANE Select); coding-DNA position 1873, G replaced by A.
Protein change: p.Gly625Arg; replaces glycine 625 with arginine.
Molecular consequence: missense variant. On other transcripts: non-coding transcript variant (1).
Genome position (GRCh38, 1-based): chr19:11,003,089, G>A. VCF-style: chr19-11003089-G-A. GRCh37 (hg19) VCF-style: chr19-11113765-G-A.
Other names: c.1873G>A, p.Gly625Arg (NM_001128844.3, NM_001128845.2, NM_001128846.2 and 6 more transcripts); short protein forms G625R.
Identifiers: ClinVar variation 4998195 (VCV004998195.1).
Genomic context (GRCh38, chr19:11,003,089, plus strand): 5'-CCTCTGGACGAGACCAGCCAGATGAGCGACCTCCCGGTGAAGGTGATCCACGTGGAGAGT[G>A]GGAAGATCCTCACAGGCACAGATGCCCCCAAAGCCGGGCAGCTGGAGGCCTGGCTCGAGA-3'
Protein context (NP_003063.2, residues 615-635): LPVKVIHVES[Gly625Arg]KILTGTDAPK

ClinVar aggregate classification (germline): Uncertain significance (1 of 4 stars; one submission).

Conditions:
SMARCA4-related disorder. Also called: SMARCA4-related condition.

Submission:

PreventionGenetics, part of Exact Sciences
Classification: Uncertain significance for SMARCA4-related condition. Last evaluated: 2024-11-05. Review status: criteria provided, single submitter. Criteria: ACMG Guidelines, 2015. Collection method: clinical testing. Allele origin: germline.
Comment: The SMARCA4 c.1873G>A variant is predicted to result in the amino acid substitution p.Gly625Arg. To our knowledge, this variant has not been reported in the literature or in a large population database (gnomAD), indicating this variant is rare. At this time, the clinical significance of this variant is uncertain due to the absence of conclusive functional and genetic evidence.